The following is an entry in ClinVar:

ClinVar aggregate classification (germline): Benign (1 of 4 stars; one submission).

Allele frequency attached by ClinVar (database versions not stated): 1000 Genomes Project 0.34904; 1000 Genomes Project 30x 0.35415; gnomAD 0.37129 and 0.37867; TOPMed 0.37131.
gnomAD v4.1: 56,335 of 151,706 alleles (37%); highest among the groups gnomAD compares: African/African-American, 53%; 11,189 homozygotes.

Submission:

GeneDx
Classification: Benign. Last evaluated: 2018-06-19. Review status: criteria provided, single submitter. Criteria: GeneDx Variant Classification (06012015). Collection method: clinical testing. Allele origin: germline. Affected: yes.
Comment: This variant is considered likely benign or benign based on one or more of the following criteria: it is a conservative change, it occurs at a poorly conserved position in the protein, it is predicted to be benign by multiple in silico algorithms, and/or has population frequency not consistent with disease.

NM_006420.3(ARFGEF2):c.4624+283G>C

Gene: ARFGEF2 (ARF guanine nucleotide exchange factor 2; plus strand). Cytogenetic location: 20q13.13.
Variant type: single nucleotide variant.
Coding change: c.4624+283G>C on transcript NM_006420.3 (MANE Select); 283 bases into the intron after coding-DNA position 4624, G replaced by C.
Molecular consequence: intron variant.
Genome position (GRCh38, 1-based): chr20:49,019,281, G>C. VCF-style: chr20-49019281-G-C. GRCh37 (hg19) VCF-style: chr20-47635818-G-C.
Identifiers: ClinVar variation 667994 (VCV000667994.1), dbSNP rs730544, ClinGen allele CA14759533.